The following is an entry in ClinVar:

ClinVar aggregate classification (germline): Likely benign. Review status: criteria provided, multiple submitters, no conflicts (2 of 4 stars). 2 submissions from 2 submitters: Likely benign (2). Last evaluated 2024-11-07.

Allele frequency attached by ClinVar (database versions not stated): 1000 Genomes Project 30x 0.00031; 1000 Genomes Project 0.00040; ESP Exome Variant Server 0.00041; gnomAD 0.00061; TOPMed 0.00076; ExAC 0.00092.
gnomAD v4.1: 932 of 1,571,322 alleles (0.059%); highest among the groups gnomAD compares: Middle Eastern, 0.44%; 1 homozygote.

Submissions (2):

Blueprint Genetics
Classification: Likely benign. Last evaluated: 2024-11-07. Review status: criteria provided, single submitter. Criteria: ACMG Guidelines, 2015. Collection method: clinical testing. Allele origin: germline.

CeGaT Center for Human Genetics Tuebingen
Classification: Likely benign. Last evaluated: 2022-10-01. Review status: criteria provided, single submitter. Criteria: CeGaT Center For Human Genetics Tuebingen Variant Classification Criteria Version 2. Collection method: clinical testing. Allele origin: germline. Affected: yes. Observed: 1 variant allele.
Comment: SCRIB: BP4, BP7

NM_182706.5(SCRIB):c.4464C>T (p.Ala1488=)

Gene: SCRIB (scribble planar cell polarity protein; minus strand). Cytogenetic location: 8q24.3.
Variant type: single nucleotide variant.
Coding change: c.4464C>T on transcript NM_182706.5 (MANE Select); coding-DNA position 4464, C replaced by T.
Protein change: p.Ala1488=; no amino-acid change (alanine 1488 retained).
Molecular consequence: synonymous variant.
Genome position (GRCh38, 1-based): chr8:143,792,270, G>A on the plus strand (C>T on the coding strand, the complement: SCRIB is on the minus strand). VCF-style: chr8-143792270-G-A. GRCh37 (hg19) VCF-style: chr8-144874440-G-A.
Other names: c.4464C>T, p.Ala1488= (NM_015356.5).
Identifiers: ClinVar variation 2658908 (VCV002658908.25), dbSNP rs371082782, ClinGen allele CA4918213.